The following is an entry in ClinVar:

NM_182961.4(SYNE1):c.24695_24696del (p.Ser8232fs)

Gene: SYNE1 (spectrin repeat containing nuclear envelope protein 1; minus strand). Cytogenetic location: 6q25.2.
Variant type: Microsatellite.
Coding change: c.24695_24696del on transcript NM_182961.4 (MANE Select); coding-DNA positions 24695 to 24696, 2 bases deleted (CT; older notation c.24695_24696delCT).
Protein change: p.Ser8232fs; shifts the reading frame from serine 8232.
Molecular consequence: frameshift variant.
Genome position (GRCh38, 1-based): chr6:152,148,325-152,148,326, AG deleted on the plus strand (CT on the coding strand, the reverse complement: SYNE1 is on the minus strand); deleting any 2 consecutive bases within chr6:152,148,325-152,148,328 gives the same sequence; the c. name uses the placement nearest the transcript's 3' end. VCF-style (leftmost placement, unchanged base first): chr6-152148324-CAG-C. GRCh37 (hg19) VCF-style: chr6-152469459-CAG-C.
Other names: c.1301_1302del, p.Ser434fs (NM_001347701.2); c.1160_1161del, p.Ser387fs (NM_001347702.2); c.24482_24483del, p.Ser8161fs (NM_033071.5); short protein forms S387fs, S8232fs, S434fs, S8161fs.
Identifiers: ClinVar variation 4785513 (VCV004785513.1).

ClinVar aggregate classification (germline): Pathogenic (1 of 4 stars; one submission).

Conditions:
Autosomal recessive ataxia, Beauce type. Also called: SYNE1-Related Autosomal Recessive Cerebellar Ataxia; Spinocerebellar ataxia, autosomal recessive 8; ATAXIA, RECESSIVE, OF BEAUCE; SYNE1 Deficiency. Identifiers: Orphanet 88644, MedGen C1853116, MONDO:0012549, OMIM 610743.
Emery-Dreifuss muscular dystrophy 4, autosomal dominant (EDMD4). Also called: EMERY-DREIFUSS MUSCULAR DYSTROPHY 4 WITH VARIABLE FEATURES. Identifiers: Orphanet 261, MedGen C2751807, MONDO:0013071, OMIM 612998.

Submission:

Labcorp Genetics (formerly Invitae), Labcorp
Classification: Pathogenic for Emery-Dreifuss muscular dystrophy 4, autosomal dominant; Autosomal recessive ataxia, Beauce type. Last evaluated: 2025-07-21. Review status: criteria provided, single submitter. Criteria: Invitae Variant Classification Sherloc (09022015). Collection method: clinical testing. Allele origin: germline.
Comment: This sequence change creates a premature translational stop signal (p.Ser8161Cysfs*45) in the SYNE1 gene. It is expected to result in an absent or disrupted protein product. Loss-of-function variants in SYNE1 are known to be pathogenic (PMID: 19542096, 24319099, 27086870). This variant is not present in population databases (gnomAD no frequency). This variant has not been reported in the literature in individuals affected with SYNE1-related conditions. For these reasons, this variant has been classified as Pathogenic.

Literature cited by the submitters: PubMed 19542096; PubMed 24319099; PubMed 27086870.